The following is an entry in ClinVar:

ClinVar aggregate classification (germline): Uncertain significance (1 of 4 stars; one submission).

Allele frequency attached by ClinVar (database versions not stated): TOPMed 0.00003; gnomAD 0.00003.

Submission:

Labcorp Genetics (formerly Invitae), Labcorp
Classification: Uncertain significance. Last evaluated: 2022-10-04. Review status: criteria provided, single submitter. Criteria: Invitae Variant Classification Sherloc (09022015). Collection method: clinical testing. Allele origin: germline.
Comment: This sequence change replaces alanine, which is neutral and non-polar, with threonine, which is neutral and polar, at codon 7 of the RNF168 protein (p.Ala7Thr). This variant is present in population databases (rs377498695, gnomAD no frequency). This variant has not been reported in the literature in individuals affected with RNF168-related conditions. ClinVar contains an entry for this variant (Variation ID: 1380781). Algorithms developed to predict the effect of missense changes on protein structure and function (SIFT, PolyPhen-2, Align-GVGD) all suggest that this variant is likely to be tolerated. In summary, the available evidence is currently insufficient to determine the role of this variant in disease. Therefore, it has been classified as a Variant of Uncertain Significance.

NM_152617.4(RNF168):c.19G>A (p.Ala7Thr)

Gene: RNF168 (ring finger protein 168; minus strand). Cytogenetic location: 3q29.
Variant type: single nucleotide variant.
Coding change: c.19G>A on transcript NM_152617.4 (MANE Select); coding-DNA position 19, G replaced by A.
Protein change: p.Ala7Thr; replaces alanine 7 with threonine.
Molecular consequence: missense variant.
Genome position (GRCh38, 1-based): chr3:196,503,155, C>T on the plus strand (G>A on the coding strand, the complement: RNF168 is on the minus strand). VCF-style: chr3-196503155-C-T. GRCh37 (hg19) VCF-style: chr3-196230026-C-T.
Other names: short protein forms A7T.
Identifiers: ClinVar variation 1380781 (VCV001380781.5), dbSNP rs377498695, ClinGen allele CA2781067.